The following is an entry in ClinVar:

ClinVar aggregate classification (germline): Uncertain significance (1 of 4 stars; one submission).

Allele frequency attached by ClinVar (database versions not stated): gnomAD exomes below 0.00001.

Submission:

GeneDx
Classification: Uncertain significance. Last evaluated: 2021-01-12. Review status: criteria provided, single submitter. Criteria: GeneDx Variant Classification Process June 2021. Collection method: clinical testing. Allele origin: germline. Affected: yes.
Comment: Not observed in large population cohorts (Lek et al., 2016); In silico analysis supports that this missense variant does not alter protein structure/function; Has not been previously published as pathogenic or benign to our knowledge

NM_000069.3(CACNA1S):c.4864A>C (p.Met1622Leu)

Gene: CACNA1S (calcium voltage-gated channel subunit alpha1 S; minus strand). Cytogenetic location: 1q32.1.
Variant type: single nucleotide variant.
Coding change: c.4864A>C on transcript NM_000069.3 (MANE Select); coding-DNA position 4864, A replaced by C.
Protein change: p.Met1622Leu; replaces methionine 1622 with leucine.
Molecular consequence: missense variant.
Genome position (GRCh38, 1-based): chr1:201,043,465, T>G on the plus strand (A>C on the coding strand, the complement: CACNA1S is on the minus strand). VCF-style: chr1-201043465-T-G. GRCh37 (hg19) VCF-style: chr1-201012593-T-G.
Other names: short protein forms M1622L.
Identifiers: ClinVar variation 1315860 (VCV001315860.2), dbSNP rs768776674, ClinGen allele CA344137334.